The following is an entry in ClinVar:

ClinVar aggregate classification (germline): Conflicting classifications of pathogenicity. Review status: criteria provided, conflicting classifications (1 of 4 stars). 24 submissions from 24 submitters: Uncertain significance (6); Benign (3); Likely benign (12). 3 of the submissions do not count toward it. Last evaluated 2026-02-03.

Conditions:
Inherited ovarian cancer (without breast cancer).
MSH6-related disorder. Also called: MSH6-related condition; MSH6-Related disorders.
Hereditary nonpolyposis colorectal neoplasms. Identifiers: MedGen C0009405, MeSH D003123.
Hereditary cancer-predisposing syndrome. Also called: Tumor predisposition; Hereditary neoplastic syndrome; Neoplastic Syndromes, Hereditary; Hereditary Cancer Syndrome. Identifiers: Orphanet 140162, MedGen C0027672, MeSH D009386, MONDO:0015356.
Lynch syndrome. Identifiers: Orphanet 144, MedGen C4552100, MONDO:0005835. Disease mechanism: loss of function.
Carcinoma of colon (CRC). Also called: Colon carcinoma; Colonic carcinoma. Identifiers: MedGen C0699790, MONDO:0002032.
Lynch syndrome 5 (LYNCH5). Also called: Hereditary non-polyposis colorectal cancer, type 5; Colorectal cancer, hereditary nonpolyposis, type 5. Identifiers: Orphanet 144, MedGen C1833477, MONDO:0013710, OMIM 614350. Disease mechanism: loss of function.
bilateral breast cancer. Identifiers: MedGen CN235586.

Allele frequency attached by ClinVar (database versions not stated): gnomAD 0.00009 and 0.00014; TOPMed 0.00014; ESP Exome Variant Server 0.00015; 1000 Genomes Project 30x 0.00016; 1000 Genomes Project 0.00020.
gnomAD v4.1: 267 of 1,614,088 alleles (0.017%); highest among the groups gnomAD compares: South Asian, 0.13%; 2 homozygotes.

Submissions 1 to 16 of 24:

Labcorp Genetics (formerly Invitae), Labcorp
Classification: Likely benign for Hereditary nonpolyposis colorectal neoplasms. Last evaluated: 2026-02-03. Review status: criteria provided, single submitter. Criteria: Invitae Variant Classification Sherloc (09022015). Collection method: clinical testing. Allele origin: germline.

Center for Genomic Medicine, Rigshospitalet, Copenhagen University Hospital
Classification: Uncertain significance. Last evaluated: 2025-12-29. Review status: criteria provided, single submitter. Criteria: ACMG Guidelines, 2015. Collection method: clinical testing. Allele origin: germline.

PreventionGenetics, part of Exact Sciences
Classification: Likely benign for MSH6-related condition. Last evaluated: 2025-12-20. Review status: criteria provided, single submitter. Criteria: ACMG Guidelines, 2015. Collection method: clinical testing. Allele origin: germline.
Comment: This variant is classified as likely benign based on ACMG/AMP sequence variant interpretation guidelines (Richards et al. 2015 PMID: 25741868, with internal and published modifications).

CeGaT Center for Human Genetics Tuebingen
Classification: Likely benign. Last evaluated: 2025-08-01. Review status: criteria provided, single submitter. Criteria: CeGaT Center For Human Genetics Tuebingen Variant Classification Criteria Version 2. Collection method: clinical testing. Allele origin: germline. Affected: yes. Observed: 3 variant alleles.
Comment: MSH6: BP1, BS1

Dasa
Classification: Benign. Last evaluated: 2025-06-22. Review status: criteria provided, single submitter. Criteria: DASA Assertion Criteria. Collection method: clinical testing. Allele origin: germline.
Comment: NM_000179.3(MSH6):c.3727A>T (p.Thr1243Ser) is interpreted as benign based on a combination of available evidence, which may include population frequency, observations in unaffected individuals, intact protein function, lack of segregation with disease, in silico models, amino acid conservation, lack of disease association in case-control studies, and/or inconsistency with the known disease mechanism or impacted region. Based on the available data, this variant is classified as benign.

Myriad Genetics, Inc.
Classification: Benign for Lynch syndrome 5. Last evaluated: 2025-01-08. Review status: criteria provided, single submitter. Criteria: Myriad Autosomal Dominant, Autosomal Recessive and X-Linked Classification Criteria (2023). Collection method: clinical testing. Allele origin: unknown.
Comment: This variant is considered benign. This variant has been observed in trans with a known pathogenic variant in one or more individuals lacking clinical features consistent with gene-specific recessive disease. This variant is strongly associated with less severe personal and family histories of cancer, typical for individuals without pathogenic variants in this gene [PMID: 27363726].

Blueprint Genetics
Classification: Likely benign. Last evaluated: 2024-11-15. Review status: criteria provided, single submitter. Criteria: ACMG Guidelines, 2015. Collection method: clinical testing. Allele origin: germline.

All of Us Research Program, National Institutes of Health
Classification: Likely benign for Lynch syndrome. Last evaluated: 2024-09-23. Review status: criteria provided, single submitter. Criteria: ACMG Guidelines, 2015. Collection method: clinical testing. Allele origin: germline. Inheritance: Autosomal dominant inheritance. Observed: 52 variant alleles, 52 heterozygotes.
Comment: This study involves interpretation of variants in research participants for the purpose of population health screening. Participant phenotype was not available at the time of variant classification. Additional details can be found in publication PMID: 35346344, PMCID: PMC8962531

Mayo Clinic Laboratories, Mayo Clinic
Classification: Uncertain significance. Last evaluated: 2024-08-12. Review status: criteria provided, single submitter. Criteria: ACMG Guidelines, 2015. Collection method: clinical testing. Allele origin: germline. Observed: 5 variant alleles.
Comment: BS1

Genomics and Molecular Medicine Service, East Genomic Laboratory Hub, NHS Genomic Medicine Service
Classification: Likely benign for Inherited ovarian cancer (without breast cancer). Last evaluated: 2024-05-08. Review status: criteria provided, single submitter. Criteria: ACGS Best Practice Guidelines for Variant Classification in Rare Disease 2020. Collection method: clinical testing. Allele origin: germline. Affected: yes.
Comment: BS1_Strong,BS2

Mendelics
Classification: Likely benign for Lynch syndrome 5. Last evaluated: 2024-04-09. Review status: criteria provided, single submitter. Criteria: ACMG Guidelines, 2015. Collection method: clinical testing. Allele origin: unknown.

Institute for Biomarker Research, Medical Diagnostic Laboratories, L.L.C.
Classification: Benign for Hereditary cancer-predisposing syndrome. Last evaluated: 2024-03-05. Review status: criteria provided, single submitter. Criteria: ACMG Guidelines, 2015. Collection method: clinical testing. Allele origin: germline.

Quest Diagnostics Nichols Institute San Juan Capistrano
Classification: Likely benign. Last evaluated: 2023-06-10. Review status: criteria provided, single submitter. Criteria: Quest Diagnostics criteria. Collection method: clinical testing. Allele origin: unknown.

Ambry Genetics
Classification: Likely benign for Hereditary cancer-predisposing syndrome. Last evaluated: 2021-03-29. Review status: criteria provided, single submitter. Criteria: Ambry Variant Classification Scheme 2023. Collection method: clinical testing. Allele origin: germline.

Women's Health and Genetics/Laboratory Corporation of America, LabCorp
Classification: Likely benign. Last evaluated: 2021-03-22. Review status: criteria provided, single submitter. Criteria: LabCorp Variant Classification Summary - May 2015. Collection method: clinical testing. Allele origin: germline.
Comment: Variant summary: MSH6 c.3727A>T (p.Thr1243Ser) results in a conservative amino acid change located in the DNA mismatch repair protein MutS, C-terminal domain of the encoded protein sequence. Three of five in-silico tools predict a damaging effect of the variant on protein function. The variant allele was found at a frequency of 0.00027 in 251210 control chromosomes, predominantly at a frequency of 0.0011 within the South Asian subpopulation in the gnomAD database, including 1 homozygotes. The observed variant frequency within South Asian control individuals in the gnomAD database is approximately 7.7 fold of the estimated maximal expected allele frequency for a pathogenic variant in MSH6 causing Hereditary Nonpolyposis Colorectal Cancer phenotype (0.00014), strongly suggesting that the variant is a benign polymorphism found primarily in populations of South Asian origin. c.3727A>T has been reported in the literature in individuals with a variety of cancer types such as epithelial ovarian cancer (example, Pal_2012), kidney renal clear cell carcinoma in the TGCA cohort (Lu_2015), as a VUS in Malignant pleural mesothelioma (MPM) (example, Betti_2017), as a VUS in breast/ovarian cancer (example, Tsaousis_2019, Akcay_2020, Moradian_2021). These report(s) do not provide unequivocal conclusions about association of the variant with Hereditary Nonpolyposis Colorectal Cancer. To our knowledge, no experimental evidence demonstrating an impact on protein function has been reported. Fifteen clinical diagnostic laboratories have submitted clinical-significance assessments for this variant to ClinVar after 2014 without evidence for independent evaluation. Multiple laboratories reported the variant with conflicting assessments (likely benign, n=3; VUS, n=12). Some submitters cite overlapping evidence utilized in the context of this evaluation. Based on the evidence outlined above, the variant was classified as likely benign.

GeneDx
Classification: Likely benign. Last evaluated: 2020-10-06. Review status: criteria provided, single submitter. Criteria: GeneDx Variant Classification Process June 2021. Collection method: clinical testing. Allele origin: germline. Affected: yes.
Comment: In silico analysis supports that this missense variant has a deleterious effect on protein structure/function; This variant is associated with the following publications: (PMID: 23047549, 23621914, 28687356, 26338694, 31159747)

NM_000179.3(MSH6):c.3727A>T (p.Thr1243Ser)

Gene: MSH6 (mutS homolog 6; plus strand). Cytogenetic location: 2p16.3.
Variant type: single nucleotide variant.
Coding change: c.3727A>T on transcript NM_000179.3 (MANE Select); coding-DNA position 3727, A replaced by T.
Protein change: p.Thr1243Ser; replaces threonine 1243 with serine.
Molecular consequence: missense variant.
Genome position (GRCh38, 1-based): chr2:47,806,284, A>T. VCF-style: chr2-47806284-A-T. GRCh37 (hg19) VCF-style: chr2-48033423-A-T.
Other names: p.T1243S:ACA>TCA; c.3337A>T, p.Thr1113Ser (NM_001281492.2); c.2821A>T, p.Thr941Ser (NM_001281493.2, NM_001281494.2); short protein forms T1243S, T1113S, T941S.
Identifiers: ClinVar variation 127589 (VCV000127589.90), dbSNP rs147453999, ClinGen allele CA014099.